The following is an entry in ClinVar:

ClinVar aggregate classification (germline): Uncertain significance. Review status: criteria provided, multiple submitters, no conflicts (2 of 4 stars). 3 submissions from 3 submitters: Uncertain significance (3). Last evaluated 2026-01-20.

Conditions:
Hereditary cancer-predisposing syndrome. Also called: Neoplastic Syndromes, Hereditary; Tumor predisposition; Hereditary neoplastic syndrome; Hereditary Cancer Syndrome. Identifiers: Orphanet 140162, MedGen C0027672, MeSH D009386, MONDO:0015356.
Familial cancer of breast. Also called: BREAST CANCER, FAMILIAL; hereditary breast carcinoma; Hereditary breast cancer. Identifiers: Orphanet 227535, MedGen C0346153, MONDO:0016419, OMIM 114480. Disease mechanism: loss of function.
Fanconi anemia complementation group J. Also called: BRIP1-Related Fanconi Anemia. Identifiers: Orphanet 84, MedGen C1836860, MONDO:0012187, OMIM 609054.

Submissions (3):

Ambry Genetics
Classification: Uncertain significance for Hereditary cancer-predisposing syndrome. Last evaluated: 2026-01-20. Review status: criteria provided, single submitter. Criteria: Ambry Variant Classification Scheme 2023. Collection method: clinical testing. Allele origin: germline.
Comment: The p.V687A variant (also known as c.2060T>C), located in coding exon 13 of the BRIP1 gene, results from a T to C substitution at nucleotide position 2060. The valine at codon 687 is replaced by alanine, an amino acid with similar properties. This amino acid position is conserved. In addition, the in silico prediction for this alteration is inconclusive. Based on the available evidence, the clinical significance of this variant remains unclear.

GeneDx
Classification: Uncertain significance. Last evaluated: 2021-06-09. Review status: criteria provided, single submitter. Criteria: GeneDx Variant Classification Process June 2021. Collection method: clinical testing. Allele origin: germline. Affected: yes.
Comment: Not observed at significant frequency in large population cohorts (Lek 2016); In silico analysis supports that this missense variant has a deleterious effect on protein structure/function; Has not been previously published as pathogenic or benign to our knowledge; This variant is associated with the following publications: (PMID: 27535533)

Labcorp Genetics (formerly Invitae), Labcorp
Classification: Uncertain significance for Familial cancer of breast; Fanconi anemia complementation group J. Last evaluated: 2019-08-25. Review status: criteria provided, single submitter. Criteria: Invitae Variant Classification Sherloc (09022015). Collection method: clinical testing. Allele origin: germline.
Comment: This variant has not been reported in the literature in individuals with BRIP1-related conditions. ClinVar contains an entry for this variant (Variation ID: 461093). This sequence change replaces valine with alanine at codon 687 of the BRIP1 protein (p.Val687Ala). The valine residue is highly conserved and there is a small physicochemical difference between valine and alanine. This variant is not present in population databases (ExAC no frequency). Algorithms developed to predict the effect of missense changes on protein structure and function (SIFT, PolyPhen-2, Align-GVGD) all suggest that this variant is likely to be disruptive, but these predictions have not been confirmed by published functional studies and their clinical significance is uncertain. In summary, the available evidence is currently insufficient to determine the role of this variant in disease. Therefore, it has been classified as a Variant of Uncertain Significance.

NM_032043.3(BRIP1):c.2060T>C (p.Val687Ala)

Gene: BRIP1 (BRCA1 interacting DNA helicase 1; minus strand). Cytogenetic location: 17q23.2.
Variant type: single nucleotide variant.
Coding change: c.2060T>C on transcript NM_032043.3 (MANE Select); coding-DNA position 2060, T replaced by C.
Protein change: p.Val687Ala; replaces valine 687 with alanine.
Molecular consequence: missense variant.
Genome position (GRCh38, 1-based): chr17:61,776,438, A>G on the plus strand (T>C on the coding strand, the complement: BRIP1 is on the minus strand). VCF-style: chr17-61776438-A-G. GRCh37 (hg19) VCF-style: chr17-59853799-A-G.
Other names: short protein forms V687A.
Identifiers: ClinVar variation 461093 (VCV000461093.14), dbSNP rs1555601030, ClinGen allele CA400478123.